The following is an entry in ClinVar:

ClinVar aggregate classification (germline): Conflicting classifications of pathogenicity. Review status: criteria provided, conflicting classifications (1 of 4 stars). 8 submissions from 7 submitters: Uncertain significance (1); Benign (2); Likely benign (5). Last evaluated 2025-10-29.

Conditions:
Cardiovascular phenotype. Identifiers: MedGen CN230736.
Hypoalphalipoproteinemia, primary, 1. Identifiers: Orphanet 425, MedGen C5231558, MONDO:0011393, OMIM 604091.
Tangier disease (TGD). Also called: HIGH DENSITY LIPOPROTEIN DEFICIENCY, TANGIER TYPE; HIGH DENSITY LIPOPROTEIN DEFICIENCY, TYPE 1; Cholesterol thesaurismosis. Identifiers: Orphanet 31150, MedGen C0039292, MONDO:0008783, OMIM 205400.

Allele frequency attached by ClinVar (database versions not stated): 1000 Genomes Project 30x 0.00031; 1000 Genomes Project 0.00040; gnomAD 0.00060 and 0.00061; TOPMed 0.00066; ESP Exome Variant Server 0.00077; gnomAD exomes 0.00087; ExAC 0.00118.
gnomAD v4.1: 1,703 of 1,614,094 alleles (0.11%); highest among the groups gnomAD compares: Middle Eastern, 0.28%; 7 homozygotes.

Submissions (8):

Labcorp Genetics (formerly Invitae), Labcorp
Classification: Benign. Last evaluated: 2025-10-29. Review status: criteria provided, single submitter. Criteria: Invitae Variant Classification Sherloc (09022015). Collection method: clinical testing. Allele origin: germline.

Mayo Clinic Laboratories, Mayo Clinic
Classification: Likely benign. Last evaluated: 2025-02-18. Review status: criteria provided, single submitter. Criteria: ACMG Guidelines, 2015. Collection method: clinical testing. Allele origin: germline. Observed: 2 variant alleles.
Comment: BS2, BP4, BP7

Blueprint Genetics
Classification: Likely benign. Last evaluated: 2024-10-18. Review status: criteria provided, single submitter. Criteria: ACMG Guidelines, 2015. Collection method: clinical testing. Allele origin: germline.

Women's Health and Genetics/Laboratory Corporation of America, LabCorp
Classification: Benign. Last evaluated: 2022-03-28. Review status: criteria provided, single submitter. Criteria: LabCorp Variant Classification Summary - May 2015. Collection method: clinical testing. Allele origin: germline.

Ambry Genetics
Classification: Likely benign for Cardiovascular phenotype. Last evaluated: 2022-02-20. Review status: criteria provided, single submitter. Criteria: Ambry Variant Classification Scheme 2023. Collection method: clinical testing. Allele origin: germline.

Illumina Laboratory Services, Illumina
Classification: Likely benign for Tangier disease. Last evaluated: 2017-04-27. Review status: criteria provided, single submitter. Criteria: ICSL Variant Classification Criteria 13 December 2019. Collection method: clinical testing. Allele origin: germline.
Comment: This variant was observed as part of a predisposition screen in an ostensibly healthy population. A literature search was performed for the gene, cDNA change, and amino acid change (where applicable). Publications were found based on this search. The evidence from the literature, in combination with allele frequency data from public databases where available, was sufficient to determine this variant is unlikely to cause disease. Therefore, this variant is classified as likely benign.

Illumina Laboratory Services, Illumina
Classification: Likely benign for Hypoalphalipoproteinemia, primary, 1. Last evaluated: 2017-04-27. Review status: criteria provided, single submitter. Criteria: ICSL Variant Classification Criteria 13 December 2019. Collection method: clinical testing. Allele origin: germline.
Comment: the same text as in the submission from Illumina Laboratory Services, Illumina above.

CeGaT Center for Human Genetics Tuebingen
Classification: Uncertain significance. Last evaluated: 2016-10-01. Review status: criteria provided, single submitter. Criteria: CeGaT Center For Human Genetics Tuebingen Variant Classification Criteria Version 2. Collection method: clinical testing. Allele origin: germline. Affected: yes. Observed: 1 variant allele.

Literature cited by the submitters: PubMed 24497850 (cited by Illumina Laboratory Services, Illumina).

NM_005502.4(ABCA1):c.99A>G (p.Leu33=)

Gene: ABCA1 (ATP binding cassette subfamily A member 1; minus strand). Cytogenetic location: 9q31.1.
Variant type: single nucleotide variant.
Coding change: c.99A>G on transcript NM_005502.4 (MANE Select); coding-DNA position 99, A replaced by G.
Protein change: p.Leu33=; no amino-acid change (leucine 33 retained).
Molecular consequence: synonymous variant.
Genome position (GRCh38, 1-based): chr9:104,889,163, T>C on the plus strand (A>G on the coding strand, the complement: ABCA1 is on the minus strand). VCF-style: chr9-104889163-T-C. GRCh37 (hg19) VCF-style: chr9-107651444-T-C.
Other names: p.Leu33=.
Identifiers: ClinVar variation 364466 (VCV000364466.57), dbSNP rs141151519, ClinGen allele CA5169493.
Genomic context (GRCh38, chr9:104,889,163, plus strand): 5'-TTCATGTTGTTCATAGGGTGGGTAGCTCAGCCGAACAGAGATCAGGATCAGGAAGATAAA[T>C]AGAGGCCAGGCCACTTCCAGCAGCAGCTGACACTGAGTGGGAAATAAGATAGAACACTGT-3'
Protein context (NP_005493.2, residues 23-43): CQLLLEVAWP[Leu33=]FIFLILISVR